The following is an entry in ClinVar:

ClinVar aggregate classification (germline): Likely benign (1 of 4 stars; one submission).

Submission:

CeGaT Center for Human Genetics Tuebingen
Classification: Likely benign. Last evaluated: 2024-03-01. Review status: criteria provided, single submitter. Criteria: CeGaT Center For Human Genetics Tuebingen Variant Classification Criteria Version 2. Collection method: clinical testing. Allele origin: germline. Affected: yes. Observed: 1 variant allele.
Comment: DLK2: PM2:Supporting, BP4, BP7

NM_023932.4(DLK2):c.828G>A (p.Gly276=)

Genes: ABCC10 (ATP binding cassette subfamily C member 10; plus strand), DLK2 (delta like non-canonical Notch ligand 2; minus strand). Cytogenetic location: 6p21.1.
Variant type: single nucleotide variant.
Coding change: c.828G>A on transcript NM_023932.4 (MANE Select); coding-DNA position 828, G replaced by A.
Protein change: p.Gly276=; no amino-acid change (glycine 276 retained).
Molecular consequence: synonymous variant.
Genome position (GRCh38, 1-based): chr6:43,450,863, C>T on the plus strand (G>A on the coding strand, the complement: DLK2 is on the minus strand). VCF-style: chr6-43450863-C-T. GRCh37 (hg19) VCF-style: chr6-43418601-C-T.
Other names: c.717G>A, p.Gly239= (NM_001286655.1); c.810G>A, p.Gly270= (NM_001286656.2); c.828G>A, p.Gly276= (NM_206539.2).
Identifiers: ClinVar variation 3234490 (VCV003234490.20), dbSNP rs2481242861, ClinGen allele CA450382717.
Genomic context (GRCh38, chr6:43,450,863, plus strand): 5'-CCGCACCACCTCCTTCACTGAGATCCGCAGCAGACCAGCCCCTGCGCTGTGGGGGGCTGG[C>T]CCCGTGGCAGGTACCACTACAGCTGAGGTGGGCCCTAGAGGGGTGTCCACTGTGGTTGGG-3'
Protein context (NP_076421.2, residues 266-286): PTSAVVVPAT[Gly276=]PAPHSAGAGL